The following is an entry in ClinVar:

ClinVar aggregate classification (germline): Uncertain significance. Review status: criteria provided, multiple submitters, no conflicts (2 of 4 stars). 4 submissions from 4 submitters: Uncertain significance (4). Last evaluated 2025-08-20.

Conditions:
Charcot-Marie-Tooth disease type 2. Also called: Charcot-Marie-Tooth type 2. Identifiers: Orphanet 64746, MedGen C0270914, MONDO:0018993.
Primary dilated cardiomyopathy (DCM). Also called: Dilated Cardiomyopathy. Identifiers: Orphanet 217604, MedGen C0007193, MeSH D002311, MONDO:0005021, HP:0001644. Inheritance: Various modes of inheritance.
Cardiovascular phenotype. Identifiers: MedGen CN230736.

gnomAD v4.1: 4 of 1,607,794 alleles (0.00025%); highest among the groups gnomAD compares: Non-Finnish European, 0.00025%; no homozygotes.

Submissions (4):

Labcorp Genetics (formerly Invitae), Labcorp
Classification: Uncertain significance for Charcot-Marie-Tooth disease type 2. Last evaluated: 2025-08-20. Review status: criteria provided, single submitter. Criteria: Invitae Variant Classification Sherloc (09022015). Collection method: clinical testing. Allele origin: germline.
Comment: This sequence change replaces threonine, which is neutral and polar, with arginine, which is basic and polar, at codon 157 of the LMNA protein (p.Thr157Arg). This variant is not present in population databases (gnomAD no frequency). This variant has not been reported in the literature in individuals affected with LMNA-related conditions. ClinVar contains an entry for this variant (Variation ID: 245861). Invitae Evidence Modeling of protein sequence and biophysical properties (such as structural, functional, and spatial information, amino acid conservation, physicochemical variation, residue mobility, and thermodynamic stability) indicates that this missense variant is expected to disrupt LMNA protein function with a positive predictive value of 95%. In summary, the available evidence is currently insufficient to determine the role of this variant in disease. Therefore, it has been classified as a Variant of Uncertain Significance.

Ambry Genetics
Classification: Uncertain significance for Cardiovascular phenotype. Last evaluated: 2024-07-16. Review status: criteria provided, single submitter. Criteria: Ambry Variant Classification Scheme 2023. Collection method: clinical testing. Allele origin: germline.
Comment: The p.T157R variant (also known as c.470C>G), located in coding exon 2 of the LMNA gene, results from a C to G substitution at nucleotide position 470. The threonine at codon 157 is replaced by arginine, an amino acid with similar properties. This variant has been detected in an individual reported to have cardiomyopathy; however, details were limited (Park J et al. Genet Med. 2020 Jan;22(1):102-111). This amino acid position is not well conserved in available vertebrate species. In addition, the in silico prediction for this alteration is inconclusive. Based on the available evidence, the clinical significance of this variant remains unclear.

GeneDx
Classification: Uncertain significance. Last evaluated: 2023-10-26. Review status: criteria provided, single submitter. Criteria: GeneDx Variant Classification Process June 2021. Collection method: clinical testing. Allele origin: germline. Affected: yes.
Comment: Not observed at significant frequency in large population cohorts (gnomAD); In silico analysis supports that this missense variant does not alter protein structure/function; Has not been previously published as pathogenic or benign to our knowledge; This variant is associated with the following publications: (PMID: 30019023, 10939567)

All of Us Research Program, National Institutes of Health
Classification: Uncertain significance for Primary dilated cardiomyopathy. Last evaluated: 2023-08-15. Review status: criteria provided, single submitter. Criteria: ACMG Guidelines, 2015. Collection method: clinical testing. Allele origin: germline. Inheritance: Autosomal dominant inheritance. Observed: 1 variant allele, 1 heterozygote.
Comment: This study involves interpretation of variants in research participants for the purpose of population health screening. Participant phenotype was not available at the time of variant classification. Additional details can be found in publication PMID: 35346344, PMCID: PMC8962531

Literature cited by the submitters: PubMed 31383942 (cited by Ambry Genetics).

NM_170707.4(LMNA):c.470C>G (p.Thr157Arg)

Genes: LMNA (lamin A/C; plus strand), LOC126805877 (MED14-independent group 3 enhancer GRCh37_chr1:156099693-156100892; plus strand). Cytogenetic location: 1q22.
Variant type: single nucleotide variant.
Coding change: c.470C>G on transcript NM_170707.4 (MANE Select); coding-DNA position 470, C replaced by G.
Protein change: p.Thr157Arg; replaces threonine 157 with arginine.
Molecular consequence: missense variant.
Genome position (GRCh38, 1-based): chr1:156,130,730, C>G. VCF-style: chr1-156130730-C-G. GRCh37 (hg19) VCF-style: chr1-156100521-C-G.
Other names: c.470C>G, p.Thr157Arg (NM_170708.4, NM_001282625.2, NM_001282626.2 and 1 more transcripts); c.134C>G, p.Thr45Arg (NM_001257374.3); c.227C>G, p.Thr76Arg (NM_001282624.2); short protein forms T157R, T76R, T45R.
Identifiers: ClinVar variation 245861 (VCV000245861.13), dbSNP rs754097769, ClinGen allele CA10584119.